The following is an entry in ClinVar:

ClinVar aggregate classification (germline): Pathogenic (1 of 4 stars; one submission).

Conditions:
BAP1-related tumor predisposition syndrome (TPDS1). Also called: Tumor susceptibility linked to germline BAP1 mutations; COMMON Syndrome; TUMOR PREDISPOSITION SYNDROME 1; BAP1 tumor predisposition syndrome. Identifiers: MONDO:0013692, OMIM 614327, Orphanet 289539, MedGen C3280492.

Submission:

Labcorp Genetics (formerly Invitae), Labcorp
Classification: Pathogenic for BAP1-related tumor predisposition syndrome. Last evaluated: 2026-01-31. Review status: criteria provided, single submitter. Criteria: Invitae Variant Classification Sherloc (09022015). Collection method: clinical testing. Allele origin: germline.
Comment: This sequence change creates a premature translational stop signal (p.Gln436*) in the BAP1 gene. It is expected to result in an absent or disrupted protein product. Loss-of-function variants in BAP1 are known to be pathogenic (PMID: 21874000, 23684012). This variant is not present in population databases (gnomAD no frequency). This variant has not been reported in the literature in individuals affected with BAP1-related conditions. Algorithms developed to predict the effect of sequence changes on RNA splicing suggest that this variant may disrupt the consensus splice site. For these reasons, this variant has been classified as Pathogenic.

Literature cited by the submitters: PubMed 21874000; PubMed 23684012.

NM_004656.4(BAP1):c.1306C>T (p.Gln436Ter)

Gene: BAP1 (BRCA1 associated deubiquitinase 1; minus strand). Cytogenetic location: 3p21.1.
Variant type: single nucleotide variant.
Coding change: c.1306C>T on transcript NM_004656.4 (MANE Select); coding-DNA position 1306, C replaced by T.
Protein change: p.Gln436Ter; replaces glutamine 436 with a stop codon.
Molecular consequence: nonsense.
Genome position (GRCh38, 1-based): chr3:52,403,839, G>A on the plus strand (C>T on the coding strand, the complement: BAP1 is on the minus strand). VCF-style: chr3-52403839-G-A. GRCh37 (hg19) VCF-style: chr3-52437855-G-A.
Other names: c.1252C>T, p.Gln418Ter (NM_001410772.1); short protein forms Q418*, Q436*.
Identifiers: ClinVar variation 4809418 (VCV004809418.1).